The following is an entry in ClinVar:

ClinVar aggregate classification (germline): Likely pathogenic (1 of 4 stars; one submission).

Submission:

GeneDx
Classification: Likely pathogenic. Last evaluated: 2017-04-26. Review status: criteria provided, single submitter. Criteria: GeneDx Variant Classification (06012015). Collection method: clinical testing. Allele origin: germline. Affected: yes.
Comment: Although the c.1048delG variant in the KCNH2 gene has not been reported to our knowledge, thisdeletion causes a shift in reading frame starting at codon Alanine350, changing it to a Leucine, andcreating a premature stop codon at position 10 of the new reading frame, denoted p.Ala350LeufsX10. Thisdeletion is expected to result in either an abnormal, truncated protein product or loss of protein from thisallele through nonsense-mediated mRNA decay. Other frameshift variants in the KCNH2 gene havebeen reported in HGMD in association with LQTS (Stenson P et al., 2014). Furthermore, the c.1048delGvariant was not observed in approximately 6500 individuals of European and African American ancestry inthe NHLBI Exome Sequencing Project, indicating it is not a common benign variant in these populationsBased on currently available evidence, c.1048delG is a strong candidate for a pathogenic variant. However, the possibility it is a rare benign variant cannot be excluded.

NM_000238.4(KCNH2):c.1048del (p.Ala350fs)

Gene: KCNH2 (potassium voltage-gated channel subfamily H member 2; minus strand). Cytogenetic location: 7q36.1.
Variant type: Deletion.
Coding change: c.1048del on transcript NM_000238.4 (MANE Select); coding-DNA position 1048, one base deleted (G; older notation c.1048delG).
Protein change: p.Ala350fs; shifts the reading frame from alanine 350.
Molecular consequence: frameshift variant.
Genome position (GRCh38, 1-based): chr7:150,957,371, C deleted on the plus strand (G on the coding strand, the reverse complement: KCNH2 is on the minus strand); the first of 2 consecutive C bases (chr7:150,957,371-150,957,372); deleting either gives the same sequence. VCF-style (leftmost placement, unchanged base first): chr7-150957370-GC-G. GRCh37 (hg19) VCF-style: chr7-150654458-GC-G.
Other names: c.759delG, p.Ala254Leufs (NM_001406753.1, NM_001406756.1); c.870delG, p.Ala291Leufs (NM_001406755.1); c.747delG, p.Ala250Leufs (NM_001406757.1); c.1047delG, p.Ala350Leufs (NM_172056.3); short protein forms A350fs.
Identifiers: ClinVar variation 418919 (VCV000418919.4), dbSNP rs1064793523, ClinGen allele CA16618413.